The following is an entry in ClinVar:

NM_015450.3(POT1):c.1286A>G (p.Gln429Arg)

Gene: POT1 (protection of telomeres 1; minus strand). Cytogenetic location: 7q31.33.
Variant type: single nucleotide variant.
Coding change: c.1286A>G on transcript NM_015450.3 (MANE Select); coding-DNA position 1286, A replaced by G.
Protein change: p.Gln429Arg; replaces glutamine 429 with arginine.
Molecular consequence: missense variant. On other transcripts: non-coding transcript variant (3).
Genome position (GRCh38, 1-based): chr7:124,841,056, T>C on the plus strand (A>G on the coding strand, the complement: POT1 is on the minus strand). VCF-style: chr7-124841056-T-C. GRCh37 (hg19) VCF-style: chr7-124481110-T-C.
Other names: c.893A>G, p.Gln298Arg (NM_001042594.2); short protein forms Q429R, Q298R.
Identifiers: ClinVar variation 1768967 (VCV001768967.3), dbSNP rs2116461495, ClinGen allele CA369067105.
Genomic context (GRCh38, chr7:124,841,056, plus strand): 5'-TTTGAAAGCGGGAGAATACCATTATTTTTCACAAAATGAACTGCTACTTTTCGTCCTTTT[T>C]GATTTTTAGTGGTCCAGATTTTTGAATCATATAATGATGTATTTTGTAGCTTGACATCTG-3'
Protein context (NP_056265.2, residues 419-439): YDSKIWTTKN[Gln429Arg]KGRKVAVHFV

ClinVar aggregate classification (germline): Uncertain significance (1 of 4 stars; one submission).

Conditions:
Hereditary cancer-predisposing syndrome. Also called: Hereditary Cancer Syndrome; Hereditary neoplastic syndrome; Neoplastic Syndromes, Hereditary; Tumor predisposition. Identifiers: Orphanet 140162, MedGen C0027672, MeSH D009386, MONDO:0015356.

Submission:

Ambry Genetics
Classification: Uncertain significance for Hereditary cancer-predisposing syndrome. Last evaluated: 2024-12-02. Review status: criteria provided, single submitter. Criteria: Ambry Variant Classification Scheme 2023. Collection method: clinical testing. Allele origin: germline.
Comment: The p.Q429R variant (also known as c.1286A>G), located in coding exon 10 of the POT1 gene, results from an A to G substitution at nucleotide position 1286. The glutamine at codon 429 is replaced by arginine, an amino acid with highly similar properties. This amino acid position is highly conserved in available vertebrate species. In addition, this alteration is predicted to be tolerated by in silico analysis. Since supporting evidence is limited at this time, the clinical significance of this alteration remains unclear.